The following is an entry in ClinVar:

ClinVar aggregate classification (germline): Likely benign. Review status: criteria provided, multiple submitters, no conflicts (2 of 4 stars). 3 submissions from 3 submitters: Likely benign (3). Last evaluated 2025-03-07.

Conditions:
Inborn genetic diseases. Identifiers: MedGen C0950123, MeSH D030342.
Autosomal dominant Parkinson disease 8. Also called: LRRK2-Related Parkinson Disease; Parkinson disease 8; Parkinson disease 8, susceptibility to. Identifiers: Orphanet 411602, MedGen C1846862, MONDO:0011764, OMIM 607060.

gnomAD v4.1: 18 of 1,612,458 alleles (0.0011%); highest among the groups gnomAD compares: Middle Eastern, 0.017%; no homozygotes.

Submissions (3):

Labcorp Genetics (formerly Invitae), Labcorp
Classification: Likely benign for Autosomal dominant Parkinson disease 8. Last evaluated: 2025-03-07. Review status: criteria provided, single submitter. Criteria: Invitae Variant Classification Sherloc (09022015). Collection method: clinical testing. Allele origin: germline.

Mayo Clinic Laboratories, Mayo Clinic
Classification: Likely benign. Last evaluated: 2025-01-29. Review status: criteria provided, single submitter. Criteria: ACMG Guidelines, 2015. Collection method: clinical testing. Allele origin: germline. Observed: 1 variant allele.
Comment: BP4, BP7

Ambry Genetics
Classification: Likely benign for Inborn genetic diseases. Last evaluated: 2022-02-24. Review status: criteria provided, single submitter. Criteria: Ambry Variant Classification Scheme 2023. Collection method: clinical testing. Allele origin: germline.

NM_198578.4(LRRK2):c.4713C>T (p.His1571=)

Gene: LRRK2 (leucine rich repeat kinase 2; plus strand). Cytogenetic location: 12q12.
Variant type: single nucleotide variant.
Coding change: c.4713C>T on transcript NM_198578.4 (MANE Select); coding-DNA position 4713, C replaced by T.
Protein change: p.His1571=; no amino-acid change (histidine 1571 retained).
Molecular consequence: synonymous variant.
Genome position (GRCh38, 1-based): chr12:40,314,148, C>T. VCF-style: chr12-40314148-C-T. GRCh37 (hg19) VCF-style: chr12-40707950-C-T.
Other names: p.His1571=.
Identifiers: ClinVar variation 1742603 (VCV001742603.6), dbSNP rs778987251, ClinGen allele CA6514255.
Genomic context (GRCh38, chr12:40,314,148, plus strand): 5'-ACGATTATTACAACTAGTGAGAGAAAATCAGCTGCAGTTAGATGAAAATGAGCTTCCTCA[C>T]GCAGTTCACTTTCTAAATGAATCAGGTTTGTGTTTTTCGTTCCTTATTTTCAAAGCTCAG-3'
Protein context (NP_940980.4, residues 1561-1581): QLQLDENELP[His1571=]AVHFLNESGV